The following is an entry in ClinVar:

NM_004944.4(DNASE1L3):c.4T>C (p.Ser2Pro)

Gene: DNASE1L3 (deoxyribonuclease 1L3; minus strand). Cytogenetic location: 3p14.3.
Variant type: single nucleotide variant.
Coding change: c.4T>C on transcript NM_004944.4 (MANE Select); coding-DNA position 4, T replaced by C.
Protein change: p.Ser2Pro; replaces serine 2 with proline.
Molecular consequence: missense variant.
Genome position (GRCh38, 1-based): chr3:58,210,903, A>G on the plus strand (T>C on the coding strand, the complement: DNASE1L3 is on the minus strand). VCF-style: chr3-58210903-A-G. GRCh37 (hg19) VCF-style: chr3-58196630-A-G.
Other names: c.4T>C, p.Ser2Pro (NM_001256560.2); short protein forms S2P.
Identifiers: ClinVar variation 1427131 (VCV001427131.8), dbSNP rs1358431258, ClinGen allele CA353342204.

ClinVar aggregate classification (germline): Uncertain significance (1 of 4 stars; one submission).

Allele frequency attached by ClinVar (database versions not stated): TOPMed 0.00001.

Submission:

Labcorp Genetics (formerly Invitae), Labcorp
Classification: Uncertain significance. Last evaluated: 2021-01-09. Review status: criteria provided, single submitter. Criteria: Invitae Variant Classification Sherloc (09022015). Collection method: clinical testing. Allele origin: germline.
Comment: This sequence change replaces serine with proline at codon 2 of the DNASE1L3 protein (p.Ser2Pro). The serine residue is weakly conserved and there is a moderate physicochemical difference between serine and proline. In summary, the available evidence is currently insufficient to determine the role of this variant in disease. Therefore, it has been classified as a Variant of Uncertain Significance. Algorithms developed to predict the effect of missense changes on protein structure and function output the following: SIFT: "Tolerated"; PolyPhen-2: "Benign"; Align-GVGD: "Class C0". The proline amino acid residue is found in multiple mammalian species, suggesting that this missense change does not adversely affect protein function. These predictions have not been confirmed by published functional studies and their clinical significance is uncertain. This variant has not been reported in the literature in individuals with DNASE1L3-related conditions. This variant is not present in population databases (ExAC no frequency).